The following is an entry in ClinVar:

ClinVar aggregate classification (germline): Uncertain significance (1 of 4 stars; one submission).

Conditions:
Long QT syndrome (LQTS). Identifiers: MedGen C0023976, MeSH D008133, MONDO:0002442. Disease mechanism: loss of function. Inheritance: Various modes of inheritance.

gnomAD v4.1: 2 of 1,614,128 alleles (0.00012%); highest among the groups gnomAD compares: South Asian, 0.0011%; no homozygotes.

Submission:

Labcorp Genetics (formerly Invitae), Labcorp
Classification: Uncertain significance for Long QT syndrome. Last evaluated: 2024-10-31. Review status: criteria provided, single submitter. Criteria: Invitae Variant Classification Sherloc (09022015). Collection method: clinical testing. Allele origin: germline.
Comment: This sequence change replaces alanine, which is neutral and non-polar, with threonine, which is neutral and polar, at codon 505 of the KCNH2 protein (p.Ala505Thr). This variant is not present in population databases (gnomAD no frequency). This variant has not been reported in the literature in individuals affected with KCNH2-related conditions. An algorithm developed to predict the effect of missense changes on protein structure and function (PolyPhen-2) suggests that this variant is likely to be disruptive. In summary, the available evidence is currently insufficient to determine the role of this variant in disease. Therefore, it has been classified as a Variant of Uncertain Significance.

NM_000238.4(KCNH2):c.1513G>A (p.Ala505Thr)

Gene: KCNH2 (potassium voltage-gated channel subfamily H member 2; minus strand). Cytogenetic location: 7q36.1.
Variant type: single nucleotide variant.
Coding change: c.1513G>A on transcript NM_000238.4 (MANE Select); coding-DNA position 1513, G replaced by A.
Protein change: p.Ala505Thr; replaces alanine 505 with threonine.
Molecular consequence: missense variant. On other transcripts: non-coding transcript variant (2).
Genome position (GRCh38, 1-based): chr7:150,952,469, C>T on the plus strand (G>A on the coding strand, the complement: KCNH2 is on the minus strand). VCF-style: chr7-150952469-C-T. GRCh37 (hg19) VCF-style: chr7-150649557-C-T.
Other names: c.493G>A, p.Ala165Thr (NM_001204798.2, NM_172057.3); c.1225G>A, p.Ala409Thr (NM_001406753.1, NM_001406756.1); c.1336G>A, p.Ala446Thr (NM_001406755.1); c.1213G>A, p.Ala405Thr (NM_001406757.1); c.1513G>A, p.Ala505Thr (NM_172056.3); short protein forms A405T, A409T, A165T, A446T, A505T.
Identifiers: ClinVar variation 3706738 (VCV003706738.1).